The following is an entry in ClinVar:

NM_017999.5(RNF31):c.3067G>A (p.Val1023Met)

Gene: RNF31 (ring finger protein 31; plus strand). Cytogenetic location: 14q12.
Variant type: single nucleotide variant.
Coding change: c.3067G>A on transcript NM_017999.5 (MANE Select); coding-DNA position 3067, G replaced by A.
Protein change: p.Val1023Met; replaces valine 1023 with methionine.
Molecular consequence: missense variant.
Genome position (GRCh38, 1-based): chr14:24,160,309, G>A. VCF-style: chr14-24160309-G-A. GRCh37 (hg19) VCF-style: chr14-24629518-G-A.
Other names: c.2614G>A, p.Val872Met (NM_001310332.2); short protein forms V1023M, V872M.
Identifiers: ClinVar variation 2767994 (VCV002767994.3), dbSNP rs2502029428, ClinGen allele CA389195654.

ClinVar aggregate classification (germline): Uncertain significance (1 of 4 stars; one submission).

Allele frequency attached by ClinVar (database versions not stated): gnomAD exomes below 0.00001.
gnomAD v4.1: 1 of 1,614,190 alleles (0.000062%); highest among the groups gnomAD compares: Non-Finnish European, 0.000085%; no homozygotes.

Submission:

Labcorp Genetics (formerly Invitae), Labcorp
Classification: Uncertain significance. Last evaluated: 2023-06-04. Review status: criteria provided, single submitter. Criteria: Invitae Variant Classification Sherloc (09022015). Collection method: clinical testing. Allele origin: germline.
Comment: This sequence change replaces valine, which is neutral and non-polar, with methionine, which is neutral and non-polar, at codon 1023 of the RNF31 protein (p.Val1023Met). This variant is not present in population databases (gnomAD no frequency). This variant has not been reported in the literature in individuals affected with RNF31-related conditions. Algorithms developed to predict the effect of missense changes on protein structure and function output the following: SIFT: "Not Available"; PolyPhen-2: "Benign"; Align-GVGD: "Not Available". The methionine amino acid residue is found in multiple mammalian species, which suggests that this missense change does not adversely affect protein function. In summary, the available evidence is currently insufficient to determine the role of this variant in disease. Therefore, it has been classified as a Variant of Uncertain Significance.